The following is an entry in ClinVar:

ClinVar aggregate classification (germline): Benign/Likely benign. Review status: criteria provided, multiple submitters, no conflicts (2 of 4 stars). 19 submissions from 19 submitters: Benign (12); Likely benign (3). 4 of the submissions do not count toward it. Last evaluated 2026-09-01.

Conditions:
Cardiovascular phenotype. Identifiers: MedGen CN230736.
Hypertrophic cardiomyopathy 17. Identifiers: MedGen C3151264, MONDO:0013474, OMIM 613873.
Hypertrophic cardiomyopathy. Also called: HYPERTROPHIC MYOCARDIOPATHY. Identifiers: Orphanet 217569, MedGen C0007194, MeSH D002312, MONDO:0005045, HP:0001639.

Allele frequency attached by ClinVar (database versions not stated): gnomAD 0.01003 and 0.01021; 1000 Genomes Project 0.01538; ESP Exome Variant Server 0.00705; 1000 Genomes Project 30x 0.01343.
gnomAD v4.1: 8,814 of 1,414,254 alleles (0.62%); highest among the groups gnomAD compares: South Asian, 2.1%; 67 homozygotes.

Submissions (19):

CeGaT Center for Human Genetics Tuebingen
Classification: Benign. Last evaluated: 2026-09-01. Review status: criteria provided, single submitter. Criteria: CeGaT Center For Human Genetics Tuebingen Variant Classification Criteria Version 2. Collection method: clinical testing. Allele origin: germline. Affected: yes. Observed: 14 variant alleles.
Comment: JPH2: BS1, BS2

Labcorp Genetics (formerly Invitae), Labcorp
Classification: Benign for Hypertrophic cardiomyopathy. Last evaluated: 2026-02-01. Review status: criteria provided, single submitter. Criteria: Invitae Variant Classification Sherloc (09022015). Collection method: clinical testing. Allele origin: germline.

ARUP Laboratories, Molecular Genetics and Genomics, ARUP Laboratories
Classification: Benign. Last evaluated: 2025-07-08. Review status: criteria provided, single submitter. Criteria: ARUP Molecular Germline Variant Investigation Process 2024. Collection method: clinical testing. Allele origin: germline.

Molecular Diagnostic Laboratory for Inherited Cardiovascular Disease, Montreal Heart Institute
Classification: Likely benign. Last evaluated: 2025-04-09. Review status: criteria provided, single submitter. Criteria: ACMG Guidelines, 2015. Collection method: clinical testing. Allele origin: germline. Affected: no.

Blueprint Genetics
Classification: Likely benign. Last evaluated: 2024-11-27. Review status: criteria provided, single submitter. Criteria: ACMG Guidelines, 2015. Collection method: clinical testing. Allele origin: germline.

Women's Health and Genetics/Laboratory Corporation of America, LabCorp
Classification: Likely benign. Last evaluated: 2023-08-19. Review status: criteria provided, single submitter. Criteria: LabCorp Variant Classification Summary - May 2015. Collection method: clinical testing. Allele origin: germline.

Mayo Clinic Laboratories, Mayo Clinic
Classification: Benign. Last evaluated: 2023-02-24. Review status: criteria provided, single submitter. Criteria: ACMG Guidelines, 2015. Collection method: clinical testing. Allele origin: germline. Observed: 16 variant alleles.
Comment: BS1, BS2, BP4

GeneDx
Classification: Benign. Last evaluated: 2018-11-20. Review status: criteria provided, single submitter. Criteria: GeneDx Variant Classification Process June 2021. Collection method: clinical testing. Allele origin: germline. Affected: yes.
Comment: This variant is associated with the following publications: (PMID: 25333069, 27532831, 23299917, 17476457, 27884173, 29398688)

Phosphorus, Inc.
Classification: Benign for Hypertrophic cardiomyopathy 17. Last evaluated: 2017-08-01. Review status: criteria provided, single submitter. Criteria: ACMG Guidelines, 2015. Collection method: clinical testing. Allele origin: germline. Observed: 2 variant alleles.

Genome Diagnostics Laboratory, University Medical Center Utrecht
Classification: Benign for Hypertrophic cardiomyopathy 17. Last evaluated: 2016-09-08. Review status: criteria provided, single submitter. Criteria: ACGS Guidelines, 2013. Collection method: clinical testing. Allele origin: germline. Affected: yes. Study: VKGL Data-share Consensus.

Clinical Genetics DNA and cytogenetics Diagnostics Lab, Erasmus MC, Erasmus Medical Center
Classification: Benign for Hypertrophic cardiomyopathy 17. Last evaluated: 2015-09-21. Review status: criteria provided, single submitter. Criteria: ACGS Guidelines, 2013. Collection method: clinical testing. Allele origin: germline. Affected: yes. Study: VKGL Data-share Consensus.

Ambry Genetics
Classification: Benign for Cardiovascular phenotype. Last evaluated: 2015-07-14. Review status: criteria provided, single submitter. Criteria: Ambry Variant Classification Scheme 2023. Collection method: clinical testing. Allele origin: germline.

Laboratory for Molecular Medicine, Mass General Brigham Personalized Medicine
Classification: Benign. Last evaluated: 2015-05-28. Review status: criteria provided, single submitter. Criteria: LMM Criteria. Collection method: clinical testing. Allele origin: germline. Observed: 12 variant alleles.
Comment: p.Gly505Ser in exon 4 of JPH2: This variant is not expected to have clinical sig nificance because it has been identified in 7.3% (30/412) of South Asian chromos omes by the Exome Aggregation Consortium (ExAC; rs140740776).

Eurofins Ntd Llc (ga)
Classification: Benign. Last evaluated: 2013-06-10. Review status: criteria provided, single submitter. Criteria: EGL Classification Definitions 2015. Collection method: clinical testing. Allele origin: germline. Observed: 1 variant allele, 1 heterozygote.

Breakthrough Genomics
Classification: Benign. Review status: criteria provided, single submitter. Criteria: ACMG Guidelines, 2015. Collection method: not provided. Allele origin: germline. Inheritance: Autosomal recessive inheritance. Affected: yes.

OMIM
Classification: Uncertain significance for RECLASSIFIED - VARIANT OF UNKNOWN SIGNIFICANCE. Last evaluated: 2007-01-01. Review status: no assertion criteria provided. Collection method: literature only. Allele origin: germline. Not counted in ClinVar's aggregate classification.

Clinical Genetics, Academic Medical Center
Classification: Benign. Review status: no assertion criteria provided. Collection method: clinical testing. Allele origin: germline. Affected: yes. Study: VKGL Data-share Consensus. Not counted in ClinVar's aggregate classification.

Diagnostic Laboratory, Department of Genetics, University Medical Center Groningen
Classification: Benign for Hypertrophic cardiomyopathy 17. Review status: no assertion criteria provided. Collection method: clinical testing. Allele origin: germline. Affected: yes. Study: VKGL Data-share Consensus. Not counted in ClinVar's aggregate classification.

Joint Genome Diagnostic Labs from Nijmegen and Maastricht, Radboudumc and MUMC+
Classification: Benign. Review status: no assertion criteria provided. Collection method: clinical testing. Allele origin: germline. Affected: yes. Study: VKGL Data-share Consensus. Not counted in ClinVar's aggregate classification.

Literature cited by the submitters: PubMed 17476457 (cited by 4 submitters); PubMed 23757202 (cited by Phosphorus, Inc.); PubMed 25333069 (cited by Phosphorus, Inc.); PubMed 27532831 (cited by Phosphorus, Inc. and OMIM); Hamosh, A. Personal Communication. 2016. Baltimore, Md. (cited by OMIM).

NM_020433.5(JPH2):c.1513G>A (p.Gly505Ser)

Gene: JPH2 (junctophilin 2; minus strand). Cytogenetic location: 20q13.12.
Variant type: single nucleotide variant.
Coding change: c.1513G>A on transcript NM_020433.5 (MANE Select); coding-DNA position 1513, G replaced by A.
Protein change: p.Gly505Ser; replaces glycine 505 with serine.
Molecular consequence: missense variant.
Genome position (GRCh38, 1-based): chr20:44,116,162, C>T on the plus strand (G>A on the coding strand, the complement: JPH2 is on the minus strand). VCF-style: chr20-44116162-C-T. GRCh37 (hg19) VCF-style: chr20-42744802-C-T.
Other names: p.G505S:GGC>AGC; short protein forms G505S.
Identifiers: ClinVar variation 30458 (VCV000030458.64), dbSNP rs140740776, ClinGen allele CA129222.